The following is an entry in ClinVar:

NM_017727.5(TMEM214):c.1153-93G>A

Gene: TMEM214 (transmembrane protein 214; plus strand). Cytogenetic location: 2p23.3.
Variant type: single nucleotide variant.
Coding change: c.1153-93G>A on transcript NM_017727.5 (MANE Select); 93 bases into the intron before coding-DNA position 1153, G replaced by A.
Molecular consequence: intron variant.
Genome position (GRCh38, 1-based): chr2:27,038,053, G>A. VCF-style: chr2-27038053-G-A. GRCh37 (hg19) VCF-style: chr2-27260921-G-A.
Other names: c.1018-93G>A (NM_001083590.2).
Identifiers: ClinVar variation 2650756 (VCV002650756.24), dbSNP rs201995638, ClinGen allele CA1567175.
Genomic context (GRCh38, chr2:27,038,053, plus strand): 5'-AGCTTTCTGGAGTCTTGACACTGTTTCTCCACCCCTTAGGGTGGATGTGCGGCCTGGATG[G>A]CCTTGCTTACGGGAAGGGGATCACCTCTTAGCACTCCCCGCCTCTGCCAGCCCCATGCCC-3'

ClinVar aggregate classification (germline): Likely benign (1 of 4 stars; one submission).

Allele frequency attached by ClinVar (database versions not stated): 1000 Genomes Project 0.00060; 1000 Genomes Project 30x 0.00062; gnomAD 0.00322; TOPMed 0.00334; gnomAD exomes 0.00416; ExAC 0.00447.

Submission:

CeGaT Center for Human Genetics Tuebingen
Classification: Likely benign. Last evaluated: 2022-11-01. Review status: criteria provided, single submitter. Criteria: CeGaT Center For Human Genetics Tuebingen Variant Classification Criteria Version 2. Collection method: clinical testing. Allele origin: germline. Affected: yes. Observed: 1 variant allele.
Comment: TMEM214: BS2